The following is an entry in ClinVar:

NM_004268.5(MED17):c.776T>C (p.Val259Ala)

Gene: MED17 (mediator complex subunit 17; plus strand). Cytogenetic location: 11q21.
Variant type: single nucleotide variant.
Coding change: c.776T>C on transcript NM_004268.5 (MANE Select); coding-DNA position 776, T replaced by C.
Protein change: p.Val259Ala; replaces valine 259 with alanine.
Molecular consequence: missense variant.
Genome position (GRCh38, 1-based): chr11:93,793,952, T>C. VCF-style: chr11-93793952-T-C. GRCh37 (hg19) VCF-style: chr11-93527118-T-C.
Other names: short protein forms V259A.
Identifiers: ClinVar variation 3340935 (VCV003340935.1).
Genomic context (GRCh38, chr11:93,793,952, plus strand): 5'-TTTCTTACGAATAGCCTGAAGTTAATTTGTTAACTTTTTTTGTTTTTGTTGTCATATAGG[T>C]TTCAATACAAAAACAGGCTCCAGATATAGGTGACCTCGGCACAGTTAACCTCTTCAAACG-3'
Protein context (NP_004259.3, residues 249-269): SDLEGSAYIK[Val259Ala]SIQKQAPDIG

ClinVar aggregate classification (germline): Uncertain significance (1 of 4 stars; one submission).

Submission:

GeneDx
Classification: Uncertain significance. Last evaluated: 2024-01-24. Review status: criteria provided, single submitter. Criteria: GeneDx Variant Classification Process June 2021. Collection method: clinical testing. Allele origin: germline. Affected: yes.
Comment: Not observed in large population cohorts (gnomAD); In silico analysis supports that this missense variant has a deleterious effect on protein structure/function; Has not been previously published as pathogenic or benign to our knowledge